The following is an entry in ClinVar:

ClinVar aggregate classification (germline): Benign (1 of 4 stars; one submission).

Allele frequency attached by ClinVar (database versions not stated): 1000 Genomes Project 30x 0.09244; 1000 Genomes Project 0.09345; TOPMed 0.12629.

Submission:

GeneDx
Classification: Benign. Last evaluated: 2018-06-19. Review status: criteria provided, single submitter. Criteria: GeneDx Variant Classification (06012015). Collection method: clinical testing. Allele origin: germline. Affected: yes.
Comment: This variant is considered likely benign or benign based on one or more of the following criteria: it is a conservative change, it occurs at a poorly conserved position in the protein, it is predicted to be benign by multiple in silico algorithms, and/or has population frequency not consistent with disease.

NM_139343.2(BIN1):c.-585G>A

Gene: BIN1 (bridging integrator 1; minus strand). Cytogenetic location: 2q14.3.
Variant type: single nucleotide variant.
Coding change: c.-585G>A on transcript NM_139343.2; 585 bases upstream of the start codon, G replaced by A.
Genome position (GRCh38, 1-based): chr2:127,107,528, C>T on the plus strand (G>A on the coding strand, the complement: BIN1 is on the minus strand). VCF-style: chr2-127107528-C-T. GRCh37 (hg19) VCF-style: chr2-127865104-C-T.
Identifiers: ClinVar variation 671846 (VCV000671846.3), dbSNP rs77260225, ClinGen allele CA11256320.
Genomic context (GRCh38, chr2:127,107,528, plus strand): 5'-GGCGAAGGGGGCGCGGCCCTGAACAGAGGAGCCGCGGCTGCTGGGAGAACGCGCCCGGAG[C>T]CCCCTCCTTTTCCAGGGGCTCACCTCCCGCCCGGTGCCCGGTGCCCGGTGCCCGACGCTC-3'